The following is an entry in ClinVar:

ClinVar aggregate classification (germline): Pathogenic (1 of 4 stars; one submission).

Conditions:
Neuronal ceroid lipofuscinosis 7 (CLN7). Also called: MFSD8-Related Neuronal Ceroid-Lipofuscinosis. Identifiers: Orphanet 168491, Orphanet 228366, MedGen C1838571, MONDO:0012588, OMIM 610951.

Submission:

Labcorp Genetics (formerly Invitae), Labcorp
Classification: Pathogenic for Neuronal ceroid lipofuscinosis 7. Last evaluated: 2022-08-30. Review status: criteria provided, single submitter. Criteria: Invitae Variant Classification Sherloc (09022015). Collection method: clinical testing. Allele origin: germline.
Comment: A gross deletion of the genomic region encompassing the full coding sequence of the MFSD8 gene has been identified. Loss-of-function variants in MFSD8 are known to be pathogenic (PMID: 19177532, 25227500, 28586915). The boundaries of this event are unknown as they extend beyond the assayed region for this gene and therefore may encompass additional genes. This variant has not been reported in the literature in individuals affected with MFSD8-related conditions. For these reasons, this variant has been classified as Pathogenic.

Literature cited by the submitters: PubMed 19177532; PubMed 25227500; PubMed 28586915.

NC_000004.11:g.(?_128841775)_(128886298_?)del

Gene: MFSD8 (major facilitator superfamily domain containing 8; minus strand). Cytogenetic location: 4q28.2.
Variant type: Deletion.
Identifiers: ClinVar variation 2427413 (VCV002427413.3).